The following is an entry in ClinVar:

ClinVar aggregate classification (germline): Uncertain significance. Review status: criteria provided, multiple submitters, no conflicts (2 of 4 stars). 2 submissions from 2 submitters: Uncertain significance (2). Last evaluated 2022-08-13.

Conditions:
Hereditary cancer-predisposing syndrome. Also called: Hereditary neoplastic syndrome; Neoplastic Syndromes, Hereditary; Tumor predisposition; Hereditary Cancer Syndrome. Identifiers: Orphanet 140162, MedGen C0027672, MeSH D009386, MONDO:0015356.

Allele frequency attached by ClinVar (database versions not stated): gnomAD exomes below 0.00001.
gnomAD v4.1: 1 of 1,613,128 alleles (0.000062%); highest among the groups gnomAD compares: Non-Finnish European, 0.000085%; no homozygotes.

Submissions (2):

Ambry Genetics
Classification: Uncertain significance for Hereditary cancer-predisposing syndrome. Last evaluated: 2022-08-13. Review status: criteria provided, single submitter. Criteria: Ambry Variant Classification Scheme 2023. Collection method: clinical testing. Allele origin: germline.
Comment: The p.H817Y variant (also known as c.2449C>T), located in coding exon 18 of the MSH3 gene, results from a C to T substitution at nucleotide position 2449. The histidine at codon 817 is replaced by tyrosine, an amino acid with similar properties. This amino acid position is conserved. In addition, the in silico prediction for this alteration is inconclusive. Since supporting evidence is limited at this time, the clinical significance of this alteration remains unclear.

Labcorp Genetics (formerly Invitae), Labcorp
Classification: Uncertain significance. Last evaluated: 2021-02-10. Review status: criteria provided, single submitter. Criteria: Invitae Variant Classification Sherloc (09022015). Collection method: clinical testing. Allele origin: germline.
Comment: Algorithms developed to predict the effect of missense changes on protein structure and function are either unavailable or do not agree on the potential impact of this missense change (SIFT: "Deleterious"; PolyPhen-2: "Benign"; Align-GVGD: "Class C0"). This sequence change replaces histidine with tyrosine at codon 817 of the MSH3 protein (p.His817Tyr). The histidine residue is moderately conserved and there is a moderate physicochemical difference between histidine and tyrosine. This variant is not present in population databases (ExAC no frequency). This variant has not been reported in the literature in individuals with MSH3-related conditions. In summary, the available evidence is currently insufficient to determine the role of this variant in disease. Therefore, it has been classified as a Variant of Uncertain Significance.

NM_002439.5(MSH3):c.2449C>T (p.His817Tyr)

Gene: MSH3 (mutS homolog 3; plus strand). Cytogenetic location: 5q14.1.
Variant type: single nucleotide variant.
Coding change: c.2449C>T on transcript NM_002439.5 (MANE Select); coding-DNA position 2449, C replaced by T.
Protein change: p.His817Tyr; replaces histidine 817 with tyrosine.
Molecular consequence: missense variant.
Genome position (GRCh38, 1-based): chr5:80,787,578, C>T. VCF-style: chr5-80787578-C-T. GRCh37 (hg19) VCF-style: chr5-80083397-C-T.
Other names: short protein forms H817Y.
Identifiers: ClinVar variation 1508809 (VCV001508809.10), dbSNP rs2112020169, ClinGen allele CA360282984.
Genomic context (GRCh38, chr5:80,787,578, plus strand): 5'-AAGATATCAGTTTGCTCACCTTTTTGTTGTTGCTGCTGCTTCCGTAGGAAATTCAGTGAA[C>T]ATTATCACTCCTTGTGTAAAGCAGTGCATCACCTAGCAACTGTTGACTGCATTTTCTCCC-3'
Protein context (NP_002430.3, residues 807-827): WLDFLEKFSE[His817Tyr]YHSLCKAVHH